The following is an entry in ClinVar:

ClinVar aggregate classification (germline): Uncertain significance. Review status: criteria provided, multiple submitters, no conflicts (2 of 4 stars). 4 submissions from 4 submitters: Uncertain significance (4). Last evaluated 2025-07-27.

Conditions:
Catecholaminergic polymorphic ventricular tachycardia (CVPT). Also called: Catecholamine-induced polymorphic ventricular tachycardia. Identifiers: Orphanet 3286, MedGen C5574922, MONDO:0017990.
Cardiovascular phenotype. Identifiers: MedGen CN230736.
Cardiomyopathy (CMYO). Also called: Cardiomyopathies. Identifiers: Orphanet 167848, MedGen C0878544, MONDO:0004994, HP:0001638. Inheritance: Various modes of inheritance.
Catecholaminergic polymorphic ventricular tachycardia 1. Also called: RYR2-Related Catecholaminergic Polymorphic Ventricular Tachycardia; VENTRICULAR TACHYCARDIA, CATECHOLAMINERGIC POLYMORPHIC, 1, WITH OR WITHOUT ATRIAL DYSFUNCTION AND/OR DILATED CARDIOMYOPATHY; VENTRICULAR TACHYCARDIA, STRESS-INDUCED POLYMORPHIC 1. Identifiers: Orphanet 3286, MedGen C1631597, MONDO:0011484, OMIM 604772.

gnomAD v4.1: 9 of 1,613,862 alleles (0.00056%); highest among the groups gnomAD compares: African/African-American, 0.0013%; no homozygotes.

Submissions (4):

Labcorp Genetics (formerly Invitae), Labcorp
Classification: Uncertain significance for Catecholaminergic polymorphic ventricular tachycardia 1. Last evaluated: 2025-07-27. Review status: criteria provided, single submitter. Criteria: Invitae Variant Classification Sherloc (09022015). Collection method: clinical testing. Allele origin: germline.
Comment: This sequence change replaces arginine, which is basic and polar, with histidine, which is basic and polar, at codon 1358 of the RYR2 protein (p.Arg1358His). This variant is not present in population databases (gnomAD no frequency). This variant has not been reported in the literature in individuals affected with RYR2-related conditions. ClinVar contains an entry for this variant (Variation ID: 1021107). Invitae Evidence Modeling of protein sequence and biophysical properties (such as structural, functional, and spatial information, amino acid conservation, physicochemical variation, residue mobility, and thermodynamic stability) indicates that this missense variant is not expected to disrupt RYR2 protein function with a negative predictive value of 95%. In summary, the available evidence is currently insufficient to determine the role of this variant in disease. Therefore, it has been classified as a Variant of Uncertain Significance.

Color Diagnostics, LLC DBA Color Health
Classification: Uncertain significance for Cardiomyopathy. Last evaluated: 2024-03-06. Review status: criteria provided, single submitter. Criteria: ACMG Guidelines, 2015. Collection method: clinical testing. Allele origin: germline.
Comment: This missense variant replaces arginine with histidine at codon 1358 of the RYR2 protein. Computational prediction suggests that this variant may not impact protein structure and function (internally defined REVEL score threshold <= 0.5, PMID: 27666373). To our knowledge, functional studies have not been reported for this variant. This variant has not been reported in individuals affected with RYR2-related disorders in the literature. This variant has not been identified in the general population by the Genome Aggregation Database (gnomAD). The available evidence is insufficient to determine the role of this variant in disease conclusively. Therefore, this variant is classified as a Variant of Uncertain Significance.

All of Us Research Program, National Institutes of Health
Classification: Uncertain significance for Catecholaminergic polymorphic ventricular tachycardia. Last evaluated: 2023-03-09. Review status: criteria provided, single submitter. Criteria: ACMG Guidelines, 2015. Collection method: clinical testing. Allele origin: germline. Inheritance: Autosomal dominant inheritance. Observed: 1 variant allele, 1 heterozygote.
Comment: This missense variant replaces arginine with histidine at codon 1358 of the RYR2 protein. Computational prediction suggests that this variant may not impact protein structure and function (internally defined REVEL score threshold <= 0.5, PMID: 27666373). To our knowledge, functional studies have not been reported for this variant. This variant has not been reported in individuals affected with cardiovascular disorders in the literature. This variant has not been identified in the general population by the Genome Aggregation Database (gnomAD). The available evidence is insufficient to determine the role of this variant in disease conclusively. Therefore, this variant is classified as a Variant of Uncertain Significance.

This study involves interpretation of variants in research participants for the purpose of population health screening. Participant phenotype was not available at the time of variant classification. Additional details can be found in publication PMID: 35346344, PMCID: PMC8962531

Ambry Genetics
Classification: Uncertain significance for Cardiovascular phenotype. Last evaluated: 2021-11-24. Review status: criteria provided, single submitter. Criteria: Ambry Variant Classification Scheme 2023. Collection method: clinical testing. Allele origin: germline.
Comment: The p.R1358H variant (also known as c.4073G>A), located in coding exon 31 of the RYR2 gene, results from a G to A substitution at nucleotide position 4073. The arginine at codon 1358 is replaced by histidine, an amino acid with highly similar properties. This amino acid position is well conserved in available vertebrate species. In addition, the in silico prediction for this alteration is inconclusive. Since supporting evidence is limited at this time, the clinical significance of this alteration remains unclear.

NM_001035.3(RYR2):c.4073G>A (p.Arg1358His)

Genes: RYR2 (ryanodine receptor 2; plus strand), LOC126806067 (BRD4-independent group 4 enhancer GRCh37_chr1:237753258-237754457; plus strand). Cytogenetic location: 1q43.
Variant type: single nucleotide variant.
Coding change: c.4073G>A on transcript NM_001035.3 (MANE Select); coding-DNA position 4073, G replaced by A.
Protein change: p.Arg1358His; replaces arginine 1358 with histidine.
Molecular consequence: missense variant.
Genome position (GRCh38, 1-based): chr1:237,590,905, G>A. VCF-style: chr1-237590905-G-A. GRCh37 (hg19) VCF-style: chr1-237754205-G-A.
Other names: short protein forms R1358H.
Identifiers: ClinVar variation 1021107 (VCV001021107.15), dbSNP rs1675084862, ClinGen allele CA345397682.
Genomic context (GRCh38, chr1:237,590,905, plus strand): 5'-ATGCTGATTCTGACTTTGAGGTTCTGATGAAGACAGCTCATGGCCATCTAGTGCCCGATC[G>A]TGTTGACAAAGACAAAGAAGCTACTAAACCAGAGTTTAACAACCACAAAGATTATGCCCA-3'
Protein context (NP_001026.2, residues 1348-1368): KTAHGHLVPD[Arg1358His]VDKDKEATKP